The following is an entry in ClinVar:

ClinVar aggregate classification (germline): Conflicting classifications of pathogenicity. Review status: criteria provided, conflicting classifications (1 of 4 stars). 3 submissions from 3 submitters: Uncertain significance (1); Likely benign (2). Last evaluated 2025-12-23.

Conditions:
Glycogen storage disease due to muscle and heart glycogen synthase deficiency. Also called: GSD 0b; MUSCLE GLYCOGEN SYNTHASE DEFICIENCY. Identifiers: Orphanet 137625, MedGen C1969054, MONDO:0012693, OMIM 611556.

Allele frequency attached by ClinVar (database versions not stated): gnomAD 0.00006; gnomAD exomes 0.00006; TOPMed 0.00006; ExAC 0.00007; ESP Exome Variant Server 0.00008.
gnomAD v4.1: 96 of 1,613,398 alleles (0.006%); highest among the groups gnomAD compares: Non-Finnish European, 0.0075%; no homozygotes.

Submissions (3):

Labcorp Genetics (formerly Invitae), Labcorp
Classification: Likely benign for Glycogen storage disease due to muscle and heart glycogen synthase deficiency. Last evaluated: 2025-12-23. Review status: criteria provided, single submitter. Criteria: Invitae Variant Classification Sherloc (09022015). Collection method: clinical testing. Allele origin: germline.

GeneDx
Classification: Likely benign. Last evaluated: 2018-05-31. Review status: criteria provided, single submitter. Criteria: GeneDx Variant Classification (06012015). Collection method: clinical testing. Allele origin: germline. Affected: yes.
Comment: This variant is considered likely benign or benign based on one or more of the following criteria: it is a conservative change, it occurs at a poorly conserved position in the protein, it is predicted to be benign by multiple in silico algorithms, and/or has population frequency not consistent with disease.

Illumina Laboratory Services, Illumina
Classification: Uncertain significance for Glycogen storage disease due to muscle and heart glycogen synthase deficiency. Last evaluated: 2018-01-13. Review status: criteria provided, single submitter. Criteria: ICSL Variant Classification Criteria 13 December 2019. Collection method: clinical testing. Allele origin: germline.

NM_002103.5(GYS1):c.1332C>T (p.Cys444=)

Gene: GYS1 (glycogen synthase 1; minus strand). Cytogenetic location: 19q13.33.
Variant type: single nucleotide variant.
Coding change: c.1332C>T on transcript NM_002103.5 (MANE Select); coding-DNA position 1332, C replaced by T.
Protein change: p.Cys444=; no amino-acid change (cysteine 444 retained).
Molecular consequence: synonymous variant. On other transcripts: non-coding transcript variant (1).
Genome position (GRCh38, 1-based): chr19:48,974,710, G>A on the plus strand (C>T on the coding strand, the complement: GYS1 is on the minus strand). VCF-style: chr19-48974710-G-A. GRCh37 (hg19) VCF-style: chr19-49477967-G-A.
Other names: c.1140C>T, p.Cys380= (NM_001161587.2).
Identifiers: ClinVar variation 676335 (VCV000676335.16), dbSNP rs377125421, ClinGen allele CA9562975.